The following is an entry in ClinVar:

ClinVar aggregate classification (germline): Likely pathogenic (1 of 4 stars; one submission).

Conditions:
Cardiac anomalies - developmental delay - facial dysmorphism syndrome (MRFACD). Also called: Impaired intellectual development and distinctive facial features with or without cardiac defects; MED13L Syndrome. Identifiers: Orphanet 369891, MedGen C5192431, MONDO:0014773, OMIM 616789.

Submission:

Diagnostics Services (NGS), CSIR - Centre For Cellular And Molecular Biology
Classification: Likely pathogenic for Cardiac anomalies - developmental delay - facial dysmorphism syndrome. Last evaluated: 2025-05-23. Review status: criteria provided, single submitter. Criteria: ACMG Guidelines, 2015. Collection method: clinical testing. Allele origin: unknown. Affected: yes. Observed: 1 variant allele, 1 heterozygote.
Comment: The c.3703C>T variant is not present in publicly available population databases like 1000 Genomes, EVS, gnomAD, Indian Exome Database or our internal database. This variant has neither been published in the literature for MED13L-related conditions nor reported to clinical databases like Human Genome Mutation database (HGMD), OMIM, or ClinVar in any affected individuals. In-silico pathogenicity prediction programs like MutationTaster2021, CADD, Franklin, Varsome, InterVar etc predicted this variant to be likely deleterious. This variant creates a premature translational stop signal at the 1235th amino acid position of the wild-type transcript that may either result in translation of a truncated protein or cause nonsense mediated decay of the mRNA.

NM_015335.5(MED13L):c.3703C>T (p.Gln1235Ter)

Gene: MED13L (mediator complex subunit 13L; minus strand). Cytogenetic location: 12q24.21.
Variant type: single nucleotide variant.
Coding change: c.3703C>T on transcript NM_015335.5 (MANE Select); coding-DNA position 3703, C replaced by T.
Protein change: p.Gln1235Ter; replaces glutamine 1235 with a stop codon.
Molecular consequence: nonsense.
Genome position (GRCh38, 1-based): chr12:115,991,251, G>A on the plus strand (C>T on the coding strand, the complement: MED13L is on the minus strand). VCF-style: chr12-115991251-G-A. GRCh37 (hg19) VCF-style: chr12-116429056-G-A.
Other names: short protein forms Q1235*.
Identifiers: ClinVar variation 4057275 (VCV004057275.1).